The following is an entry in ClinVar:

NM_002227.4(JAK1):c.85C>G (p.Leu29Val)

Genes: JAK1 (Janus kinase 1; minus strand), LOC129930680 (ATAC-STARR-seq lymphoblastoid active region 1132; plus strand). Cytogenetic location: 1p31.3.
Variant type: single nucleotide variant.
Coding change: c.85C>G on transcript NM_002227.4 (MANE Select); coding-DNA position 85, C replaced by G.
Protein change: p.Leu29Val; replaces leucine 29 with valine.
Molecular consequence: missense variant.
Genome position (GRCh38, 1-based): chr1:64,883,397, G>C on the plus strand (C>G on the coding strand, the complement: JAK1 is on the minus strand). VCF-style: chr1-64883397-G-C. GRCh37 (hg19) VCF-style: chr1-65349080-G-C.
Other names: c.85C>G, p.Leu29Val (NM_001320923.2, NM_001321852.2, NM_001321853.2 and 4 more transcripts); short protein forms L29V.
Identifiers: ClinVar variation 2422059 (VCV002422059.7), dbSNP rs374273516, ClinGen allele CA893247.

ClinVar aggregate classification (germline): Uncertain significance (1 of 4 stars; one submission).

Allele frequency attached by ClinVar (database versions not stated): ExAC 0.00002; gnomAD 0.00005; TOPMed 0.00005; ESP Exome Variant Server 0.00008.
gnomAD v4.1: 10 of 1,614,016 alleles (0.00062%); highest among the groups gnomAD compares: African/African-American, 0.013%; no homozygotes.

Submission:

Labcorp Genetics (formerly Invitae), Labcorp
Classification: Uncertain significance. Last evaluated: 2025-07-21. Review status: criteria provided, single submitter. Criteria: Invitae Variant Classification Sherloc (09022015). Collection method: clinical testing. Allele origin: germline.
Comment: This sequence change replaces leucine, which is neutral and non-polar, with valine, which is neutral and non-polar, at codon 29 of the JAK1 protein (p.Leu29Val). This variant is present in population databases (rs374273516, gnomAD 0.02%). This variant has not been reported in the literature in individuals affected with JAK1-related conditions. ClinVar contains an entry for this variant (Variation ID: 2422059). Invitae Evidence Modeling of protein sequence and biophysical properties (such as structural, functional, and spatial information, amino acid conservation, physicochemical variation, residue mobility, and thermodynamic stability) indicates that this missense variant is not expected to disrupt JAK1 protein function with a negative predictive value of 80%. In summary, the available evidence is currently insufficient to determine the role of this variant in disease. Therefore, it has been classified as a Variant of Uncertain Significance.